The following is an entry in ClinVar:

ClinVar aggregate classification (germline): Uncertain significance (1 of 4 stars; one submission).

Conditions:
Kabuki syndrome. Also called: NIIKAWA-KUROKI SYNDROME; Kabuki make-up syndrome. Identifiers: Orphanet 2322, MedGen C0796004, MONDO:0016512.

gnomAD v4.1: 2 of 1,613,360 alleles (0.00012%); highest among the groups gnomAD compares: Non-Finnish European, 0.00017%; no homozygotes.

Submission:

Labcorp Genetics (formerly Invitae), Labcorp
Classification: Uncertain significance for Kabuki syndrome. Last evaluated: 2022-12-18. Review status: criteria provided, single submitter. Criteria: Invitae Variant Classification Sherloc (09022015). Collection method: clinical testing. Allele origin: germline.
Comment: In summary, the available evidence is currently insufficient to determine the role of this variant in disease. Therefore, it has been classified as a Variant of Uncertain Significance. Advanced modeling of protein sequence and biophysical properties (such as structural, functional, and spatial information, amino acid conservation, physicochemical variation, residue mobility, and thermodynamic stability) performed at Invitae indicates that this missense variant is not expected to disrupt KMT2D protein function. ClinVar contains an entry for this variant (Variation ID: 1479226). This variant has not been reported in the literature in individuals affected with KMT2D-related conditions. This variant is not present in population databases (gnomAD no frequency). This sequence change replaces aspartic acid, which is acidic and polar, with glutamic acid, which is acidic and polar, at codon 1357 of the KMT2D protein (p.Asp1357Glu).

NM_003482.4(KMT2D):c.4071T>A (p.Asp1357Glu)

Gene: KMT2D (lysine methyltransferase 2D; minus strand). Cytogenetic location: 12q13.12.
Variant type: single nucleotide variant.
Coding change: c.4071T>A on transcript NM_003482.4 (MANE Select); coding-DNA position 4071, T replaced by A.
Protein change: p.Asp1357Glu; replaces aspartic acid 1357 with glutamic acid.
Molecular consequence: missense variant.
Genome position (GRCh38, 1-based): chr12:49,048,719, A>T on the plus strand (T>A on the coding strand, the complement: KMT2D is on the minus strand). VCF-style: chr12-49048719-A-T. GRCh37 (hg19) VCF-style: chr12-49442502-A-T.
Other names: short protein forms D1357E.
Identifiers: ClinVar variation 1479226 (VCV001479226.8), dbSNP rs2120625617, ClinGen allele CA384650651.
Genomic context (GRCh38, chr12:49,048,719, plus strand): 5'-CTGCATTAGGACAAATTTGTCTGTGTTGGAGAAGAGAACCACGGTATTCTGCATGGTGTC[A>T]TCATCTTCTTCCTCCTCCTCCTTACTGGGAGAGCTATCAATGTCAGCAACCTGATGGGCA-3'
Protein context (NP_003473.3, residues 1347-1367): SPSKEEEEED[Asp1357Glu]DTMQNTVVLF